The following is an entry in ClinVar:

NM_001127671.2(LIFR):c.1319A>G (p.Lys440Arg)

Gene: LIFR (LIF receptor subunit alpha; minus strand). Cytogenetic location: 5p13.1.
Variant type: single nucleotide variant.
Coding change: c.1319A>G on transcript NM_001127671.2 (MANE Select); coding-DNA position 1319, A replaced by G.
Protein change: p.Lys440Arg; replaces lysine 440 with arginine.
Molecular consequence: missense variant.
Genome position (GRCh38, 1-based): chr5:38,504,094, T>C on the plus strand (A>G on the coding strand, the complement: LIFR is on the minus strand). VCF-style: chr5-38504094-T-C. GRCh37 (hg19) VCF-style: chr5-38504196-T-C.
Other names: c.1319A>G, p.Lys440Arg (NM_001364297.2, NM_001364298.2, NM_002310.6); short protein forms K440R.
Identifiers: ClinVar variation 1445645 (VCV001445645.6), dbSNP rs1250493020, ClinGen allele CA359542820.

ClinVar aggregate classification (germline): Uncertain significance. Review status: criteria provided, multiple submitters, no conflicts (2 of 4 stars). 2 submissions from 2 submitters: Uncertain significance (2). Last evaluated 2024-04-29.

Conditions:
Stüve-Wiedemann syndrome 1. Also called: STUVE-WIEDEMANN/SCHWARTZ-JAMPEL TYPE 2 SYNDROME. Identifiers: Orphanet 3206, MedGen C5676888, MONDO:0800043, OMIM 601559.

Allele frequency attached by ClinVar (database versions not stated): TOPMed below 0.00001; gnomAD 0.00001; gnomAD exomes 0.00001.
gnomAD v4.1: 15 of 1,582,340 alleles (0.00095%); highest among the groups gnomAD compares: African/African-American, 0.0013%; no homozygotes.

Submissions (2):

Fulgent Genetics
Classification: Uncertain significance for Stüve-Wiedemann syndrome 1. Last evaluated: 2024-04-29. Review status: criteria provided, single submitter. Criteria: ACMG Guidelines, 2015. Collection method: clinical testing. Allele origin: germline.

Labcorp Genetics (formerly Invitae), Labcorp
Classification: Uncertain significance. Last evaluated: 2022-02-24. Review status: criteria provided, single submitter. Criteria: Invitae Variant Classification Sherloc (09022015). Collection method: clinical testing. Allele origin: germline.
Comment: This sequence change replaces lysine, which is basic and polar, with arginine, which is basic and polar, at codon 440 of the LIFR protein (p.Lys440Arg). This variant is not present in population databases (gnomAD no frequency). This variant has not been reported in the literature in individuals affected with LIFR-related conditions. Algorithms developed to predict the effect of missense changes on protein structure and function output the following: SIFT: "Tolerated"; PolyPhen-2: "Benign"; Align-GVGD: "Class C0". The arginine amino acid residue is found in multiple mammalian species, which suggests that this missense change does not adversely affect protein function. Algorithms developed to predict the effect of sequence changes on RNA splicing suggest that this variant may create or strengthen a splice site. In summary, the available evidence is currently insufficient to determine the role of this variant in disease. Therefore, it has been classified as a Variant of Uncertain Significance.